The following is an entry in ClinVar:

NM_130384.3(ATRIP):c.461C>G (p.Ser154Cys)

Genes: ATRIP (ATR interacting protein; plus strand), ATRIP-TREX1 (ATRIP-TREX1 readthrough; plus strand). Cytogenetic location: 3p21.31.
Variant type: single nucleotide variant.
Coding change: c.461C>G on transcript NM_130384.3 (MANE Select); coding-DNA position 461, C replaced by G.
Protein change: p.Ser154Cys; replaces serine 154 with cysteine.
Molecular consequence: missense variant. On other transcripts: non-coding transcript variant (1).
Genome position (GRCh38, 1-based): chr3:48,451,808, C>G. VCF-style: chr3-48451808-C-G. GRCh37 (hg19) VCF-style: chr3-48493214-C-G.
Other names: c.80C>G, p.Ser27Cys (NM_001271022.2); c.182C>G, p.Ser61Cys (NM_001271023.2); c.461C>G, p.Ser154Cys (NM_032166.4); short protein forms S27C, S61C, S154C.
Identifiers: ClinVar variation 3464206 (VCV003464206.1).

ClinVar aggregate classification (germline): Uncertain significance (1 of 4 stars; one submission).

gnomAD v4.1: 2 of 1,612,876 alleles (0.00012%); highest among the groups gnomAD compares: Non-Finnish European, 0.00017%; no homozygotes.

Submission:

Ambry Genetics
Classification: Uncertain significance. Last evaluated: 2024-11-21. Review status: criteria provided, single submitter. Criteria: Ambry Variant Classification Scheme 2023. Collection method: clinical testing. Allele origin: germline.
Comment: The p.S154C variant (also known as c.461C>G), located in coding exon 3 of the ATRIP gene, results from a C to G substitution at nucleotide position 461. The serine at codon 154 is replaced by cysteine, an amino acid with dissimilar properties. This amino acid position is conserved. In addition, this alteration is predicted to be tolerated by in silico analysis. Based on the available evidence, the clinical significance of this variant remains unclear.